The following is an entry in ClinVar:

ClinVar aggregate classification (germline): Conflicting classifications of pathogenicity. Review status: criteria provided, conflicting classifications (1 of 4 stars). 9 submissions from 9 submitters: Uncertain significance (1); Benign (6); Likely benign (1). 1 of the submissions does not count toward it. Last evaluated 2026-09-01.

Conditions:
Nemaline myopathy 2 (NEM2). Also called: Nemaline myopathy 2, autosomal recessive. Identifiers: MedGen C1850569, MONDO:0009725, OMIM 256030.

Allele frequency attached by ClinVar (database versions not stated): gnomAD exomes 0.00268 and 0.00184; gnomAD 0.00171 and 0.00165; TOPMed 0.00186; ESP Exome Variant Server 0.00206; ExAC 0.00248; 1000 Genomes Project 0.00120; 1000 Genomes Project 30x 0.00125.
gnomAD v4.1: 3,070 of 1,611,584 alleles (0.19%); highest among the groups gnomAD compares: Middle Eastern, 0.56%; 30 homozygotes.

Submissions (9):

CeGaT Center for Human Genetics Tuebingen
Classification: Likely benign. Last evaluated: 2026-09-01. Review status: criteria provided, single submitter. Criteria: CeGaT Center For Human Genetics Tuebingen Variant Classification Criteria Version 2. Collection method: clinical testing. Allele origin: germline. Affected: yes. Observed: 11 variant alleles.
Comment: NEB: BP4, BS2

Labcorp Genetics (formerly Invitae), Labcorp
Classification: Benign for Nemaline myopathy 2. Last evaluated: 2026-02-04. Review status: criteria provided, single submitter. Criteria: Invitae Variant Classification Sherloc (09022015). Collection method: clinical testing. Allele origin: germline.

Pars Genome Lab
Classification: Benign for Nemaline myopathy 2. Last evaluated: 2021-05-18. Review status: criteria provided, single submitter. Criteria: ACMG Guidelines, 2015. Collection method: clinical testing. Allele origin: germline. Affected: no.

GeneDx
Classification: Benign. Last evaluated: 2019-07-26. Review status: criteria provided, single submitter. Criteria: GeneDx Variant Classification Process June 2021. Collection method: clinical testing. Allele origin: germline. Affected: yes.
Comment: This variant is associated with the following publications: (PMID: 25203624)

Illumina Laboratory Services, Illumina
Classification: Uncertain significance for Nemaline myopathy 2. Last evaluated: 2018-01-12. Review status: criteria provided, single submitter. Criteria: ICSL Variant Classification Criteria 13 December 2019. Collection method: clinical testing. Allele origin: germline.

Athena Diagnostics
Classification: Benign. Last evaluated: 2017-03-15. Review status: criteria provided, single submitter. Criteria: Athena Diagnostics Criteria. Collection method: clinical testing. Allele origin: germline.

Eurofins Ntd Llc (ga)
Classification: Benign. Last evaluated: 2014-11-15. Review status: criteria provided, single submitter. Criteria: EGL Classification Definitions 2015. Collection method: clinical testing. Allele origin: germline. Observed: 2 variant alleles, 2 heterozygotes.

Genetic Services Laboratory, University of Chicago
Classification: Benign for AllHighlyPenetrant. Last evaluated: 2014-02-27. Review status: criteria provided, single submitter. Criteria: ACMG Guidelines, 2007. Collection method: clinical testing. Allele origin: germline. Inheritance: Autosomal recessive inheritance.

Natera, Inc.
Classification: Benign for Nemaline myopathy type 2. Last evaluated: 2019-10-23. Review status: no assertion criteria provided. Collection method: clinical testing. Allele origin: germline. Not counted in ClinVar's aggregate classification.

NM_001164508.2(NEB):c.21720C>T (p.Tyr7240=)

Genes: RIF1 (replication timing regulatory factor 1; plus strand), NEB (nebulin; minus strand). Cytogenetic location: 2q23.3.
Variant type: single nucleotide variant.
Coding change: c.21720C>T on transcript NM_001164508.2 (MANE Select); coding-DNA position 21720, C replaced by T.
Protein change: p.Tyr7240=; no amino-acid change (tyrosine 7240 retained).
Molecular consequence: synonymous variant.
Genome position (GRCh38, 1-based): chr2:151,529,225, G>A on the plus strand (C>T on the coding strand, the complement: NEB is on the minus strand). VCF-style: chr2-151529225-G-A. GRCh37 (hg19) VCF-style: chr2-152385739-G-A.
Other names: c.21720C>T, p.Tyr7240= (NM_001164507.2); c.21825C>T, p.Tyr7275= (NM_001271208.2); c.16617C>T, p.Tyr5539= (NM_004543.5).
Identifiers: ClinVar variation 129726 (VCV000129726.59), dbSNP rs34718443, ClinGen allele CA153943.